The following is an entry in ClinVar:

ClinVar aggregate classification (germline): Pathogenic. Review status: criteria provided, multiple submitters, no conflicts (2 of 4 stars). 2 submissions from 2 submitters: Pathogenic (2). Last evaluated 2019-11-26.

Conditions:
Alagille syndrome due to a JAG1 point mutation. Also called: HEPATIC DUCTULAR HYPOPLASIA, SYNDROMATIC; JAG1-Related Alagille Syndrome; Alagille Syndrome 1. Identifiers: Orphanet 261619, Orphanet 52, MedGen C1956125, MONDO:0016862, OMIM 118450.

Submissions (2):

GeneDx
Classification: Pathogenic. Last evaluated: 2019-11-26. Review status: criteria provided, single submitter. Criteria: GeneDx Variant Classification Process June 2021. Collection method: clinical testing. Allele origin: germline. Affected: yes.
Comment: Nonsense variant predicted to result in protein truncation or nonsense mediated decay in a gene for which loss-of-function is a known mechanism of disease; Not observed in large population cohorts (Lek et al., 2016); This variant is associated with the following publications: (PMID: 16575836, 31343788)

Labcorp Genetics (formerly Invitae), Labcorp
Classification: Pathogenic for Alagille syndrome due to a JAG1 point mutation. Last evaluated: 2018-10-18. Review status: criteria provided, single submitter. Criteria: Invitae Variant Classification Sherloc (09022015). Collection method: clinical testing. Allele origin: germline.
Comment: This variant is not present in population databases (ExAC no frequency). This variant has been observed in an individual affected with Alagille syndrome (PMID: 16575836). ClinVar contains an entry for this variant (Variation ID: 213530). Loss-of-function variants in JAG1 are known to be pathogenic (PMID: 11180599). For these reasons, this variant has been classified as Pathogenic. This sequence change creates a premature translational stop signal (p.Gln304*) in the JAG1 gene. It is expected to result in an absent or disrupted protein product.

Literature cited by the submitters: PubMed 16575836 (cited by Labcorp Genetics (formerly Invitae), Labcorp); PubMed 11180599 (cited by Labcorp Genetics (formerly Invitae), Labcorp).

NM_000214.3(JAG1):c.910C>T (p.Gln304Ter)

Gene: JAG1 (jagged canonical Notch ligand 1; minus strand). Cytogenetic location: 20p12.2.
Variant type: single nucleotide variant.
Coding change: c.910C>T on transcript NM_000214.3 (MANE Select); coding-DNA position 910, C replaced by T.
Protein change: p.Gln304Ter; replaces glutamine 304 with a stop codon.
Molecular consequence: nonsense.
Genome position (GRCh38, 1-based): chr20:10,652,227, G>A on the plus strand (C>T on the coding strand, the complement: JAG1 is on the minus strand). VCF-style: chr20-10652227-G-A. GRCh37 (hg19) VCF-style: chr20-10632875-G-A.
Other names: c.910C>T, p.Gln304Ter (LRG_1191t1); short protein forms Q304*.
Identifiers: ClinVar variation 213530 (VCV000213530.12), dbSNP rs863223649, ClinGen allele CA322726.
Genomic context (GRCh38, chr20:10,652,227, plus strand): 5'-AGGAACACTGATATTTGTCAGGGCCTGTGTTGCTACAAGTTCCCCCGTTGAGACACGGCT[G>A]ATGAGTCCCACAGTAATTGAGATCTGCCAAAAAGATCCTGGAGTCACTAAGAGACGCCTG-3'